The following is an entry in ClinVar:

ClinVar aggregate classification (germline): Uncertain significance (1 of 4 stars; one submission).

Conditions:
Autosomal dominant hypocalcemia 1 (HYPOC1). Also called: HYPOCALCEMIA, FAMILIAL. Identifiers: MedGen C3715128, MONDO:0011013, OMIM 601198.
Familial hypocalciuric hypercalcemia (FHH). Also called: Familial benign hypercalcemia. Identifiers: Orphanet 405, MedGen C1809471, MONDO:0018458.

Submission:

Labcorp Genetics (formerly Invitae), Labcorp
Classification: Uncertain significance for Familial hypocalciuric hypercalcemia; Autosomal dominant hypocalcemia 1. Last evaluated: 2022-07-29. Review status: criteria provided, single submitter. Criteria: Invitae Variant Classification Sherloc (09022015). Collection method: clinical testing. Allele origin: germline.
Comment: This sequence change replaces phenylalanine, which is neutral and non-polar, with serine, which is neutral and polar, at codon 815 of the CASR protein (p.Phe815Ser). This variant is not present in population databases (gnomAD no frequency). This variant has not been reported in the literature in individuals affected with CASR-related conditions. Algorithms developed to predict the effect of missense changes on protein structure and function are either unavailable or do not agree on the potential impact of this missense change (SIFT: "Deleterious"; PolyPhen-2: "Probably Damaging"; Align-GVGD: "Class C0"). In summary, the available evidence is currently insufficient to determine the role of this variant in disease. Therefore, it has been classified as a Variant of Uncertain Significance.

NM_000388.4(CASR):c.2444T>C (p.Phe815Ser)

Gene: CASR (calcium sensing receptor; plus strand). Cytogenetic location: 3q21.1.
Variant type: single nucleotide variant.
Coding change: c.2444T>C on transcript NM_000388.4 (MANE Select); coding-DNA position 2444, T replaced by C.
Protein change: p.Phe815Ser; replaces phenylalanine 815 with serine.
Molecular consequence: missense variant.
Genome position (GRCh38, 1-based): chr3:122,284,398, T>C. VCF-style: chr3-122284398-T-C. GRCh37 (hg19) VCF-style: chr3-122003245-T-C.
Other names: c.2474T>C, p.Phe825Ser (NM_001178065.2); short protein forms F815S, F825S.
Identifiers: ClinVar variation 1714157 (VCV001714157.6), dbSNP rs2473280132, ClinGen allele CA354159817.